The following is an entry in ClinVar:

ClinVar aggregate classification (germline): Uncertain significance (1 of 4 stars; one submission).

Conditions:
Neuromuscular disease caused by qualitative or quantitative defects of dysferlin. Also called: Dysferlinopathy; Qualitative or quantitative defects of dysferlin. Identifiers: Orphanet 207073, MedGen C2931687, MONDO:0016145.

gnomAD v4.1: 1 of 1,614,138 alleles (0.000062%); highest among the groups gnomAD compares: Non-Finnish European, 0.000085%; no homozygotes.

Submission:

Labcorp Genetics (formerly Invitae), Labcorp
Classification: Uncertain significance for Neuromuscular disease caused by qualitative or quantitative defects of dysferlin. Last evaluated: 2023-05-23. Review status: criteria provided, single submitter. Criteria: Invitae Variant Classification Sherloc (09022015). Collection method: clinical testing. Allele origin: germline.
Comment: In summary, the available evidence is currently insufficient to determine the role of this variant in disease. Therefore, it has been classified as a Variant of Uncertain Significance. Advanced modeling of protein sequence and biophysical properties (such as structural, functional, and spatial information, amino acid conservation, physicochemical variation, residue mobility, and thermodynamic stability) has been performed at Invitae for this missense variant, however the output from this modeling did not meet the statistical confidence thresholds required to predict the impact of this variant on DYSF protein function. ClinVar contains an entry for this variant (Variation ID: 1486366). This variant has not been reported in the literature in individuals affected with DYSF-related conditions. This variant is not present in population databases (gnomAD no frequency). This sequence change replaces leucine, which is neutral and non-polar, with phenylalanine, which is neutral and non-polar, at codon 1081 of the DYSF protein (p.Leu1081Phe).

NM_001130987.2(DYSF):c.3295C>T (p.Leu1099Phe)

Gene: DYSF (dysferlin; plus strand). Cytogenetic location: 2p13.2.
Variant type: single nucleotide variant.
Coding change: c.3295C>T on transcript NM_001130987.2 (MANE Select); coding-DNA position 3295, C replaced by T.
Protein change: p.Leu1099Phe; replaces leucine 1099 with phenylalanine.
Molecular consequence: missense variant.
Genome position (GRCh38, 1-based): chr2:71,574,264, C>T. VCF-style: chr2-71574264-C-T. GRCh37 (hg19) VCF-style: chr2-71801394-C-T.
Other names: c.3244C>T, p.Leu1082Phe (NM_001130455.2, NM_001130983.2); c.3199C>T, p.Leu1067Phe (NM_001130976.2, NM_001130977.2); c.3241C>T, p.Leu1081Phe (NM_001130978.2, NM_003494.4); c.3334C>T, p.Leu1112Phe (NM_001130979.2); c.3292C>T, p.Leu1098Phe (NM_001130980.2, NM_001130981.2); c.3337C>T, p.Leu1113Phe (NM_001130982.2); c.3202C>T, p.Leu1068Phe (NM_001130984.2, NM_001130986.2); c.3295C>T, p.Leu1099Phe (NM_001130985.2); short protein forms L1068F, L1112F, L1113F, L1067F, L1081F, L1099F, L1082F, L1098F.
Identifiers: ClinVar variation 1486366 (VCV001486366.8), dbSNP rs770433229, ClinGen allele CA347218179.